The following is an entry in ClinVar:

ClinVar aggregate classification (germline): Uncertain significance (1 of 4 stars; one submission).

Conditions:
Combined immunodeficiency due to DOCK8 deficiency (HIES2). Also called: HYPER-IgE RECURRENT INFECTION SYNDROME 2, AUTOSOMAL RECESSIVE; HYPER-IgE SYNDROME 2, AUTOSOMAL RECESSIVE, WITH RECURRENT INFECTIONS; HIES autosomal recessive; DOCK8 Deficiency; Hyper-IgE recurrent infection syndrome, autosomal recessive. Identifiers: Orphanet 217390, MedGen C4722305, MONDO:0009478, OMIM 243700.

Submission:

Labcorp Genetics (formerly Invitae), Labcorp
Classification: Uncertain significance for Combined immunodeficiency due to DOCK8 deficiency. Last evaluated: 2021-05-04. Review status: criteria provided, single submitter. Criteria: Invitae Variant Classification Sherloc (09022015). Collection method: clinical testing. Allele origin: germline.
Comment: In summary, the available evidence is currently insufficient to determine the role of this variant in disease. Therefore, it has been classified as a Variant of Uncertain Significance. Algorithms developed to predict the effect of missense changes on protein structure and function are either unavailable or do not agree on the potential impact of this missense change (SIFT: "Deleterious"; PolyPhen-2: "Possibly Damaging"; Align-GVGD: "Class C0"). This variant has not been reported in the literature in individuals with DOCK8-related conditions. This variant is not present in population databases (ExAC no frequency). This sequence change replaces glutamic acid with glycine at codon 613 of the DOCK8 protein (p.Glu613Gly). The glutamic acid residue is highly conserved and there is a moderate physicochemical difference between glutamic acid and glycine.

NM_203447.4(DOCK8):c.1838A>G (p.Glu613Gly)

Gene: DOCK8 (dedicator of cytokinesis 8; plus strand). Cytogenetic location: 9p24.3.
Variant type: single nucleotide variant.
Coding change: c.1838A>G on transcript NM_203447.4 (MANE Select); coding-DNA position 1838, A replaced by G.
Protein change: p.Glu613Gly; replaces glutamic acid 613 with glycine.
Molecular consequence: missense variant.
Genome position (GRCh38, 1-based): chr9:370,270, A>G. VCF-style: chr9-370270-A-G. GRCh37 (hg19) VCF-style: chr9-370270-A-G.
Other names: c.1634A>G, p.Glu545Gly (NM_001190458.2, NM_001193536.2); short protein forms E545G, E613G.
Identifiers: ClinVar variation 1351265 (VCV001351265.8), dbSNP rs2131203777, ClinGen allele CA372760953.